The following is an entry in ClinVar:

ClinVar aggregate classification (germline): Likely benign. Review status: criteria provided, multiple submitters, no conflicts (2 of 4 stars). 5 submissions from 5 submitters: Likely benign (5). Last evaluated 2025-07-28.

Conditions:
Cardiovascular phenotype. Identifiers: MedGen CN230736.
Long QT syndrome (LQTS). Identifiers: MedGen C0023976, MeSH D008133, MONDO:0002442. Disease mechanism: loss of function. Inheritance: Various modes of inheritance.

Allele frequency attached by ClinVar (database versions not stated): gnomAD exomes below 0.00001; TOPMed below 0.00001; gnomAD 0.00001.
gnomAD v4.1: 5 of 1,613,242 alleles (0.00031%); highest among the groups gnomAD compares: South Asian, 0.0022%; no homozygotes.

Submissions (5):

Labcorp Genetics (formerly Invitae), Labcorp
Classification: Likely benign for Long QT syndrome. Last evaluated: 2025-07-28. Review status: criteria provided, single submitter. Criteria: Invitae Variant Classification Sherloc (09022015). Collection method: clinical testing. Allele origin: germline.

Women's Health and Genetics/Laboratory Corporation of America, LabCorp
Classification: Likely benign. Last evaluated: 2025-05-30. Review status: criteria provided, single submitter. Criteria: LabCorp Variant Classification Summary - May 2015. Collection method: clinical testing. Allele origin: germline.

Blueprint Genetics
Classification: Likely benign. Last evaluated: 2024-11-27. Review status: criteria provided, single submitter. Criteria: ACMG Guidelines, 2015. Collection method: clinical testing. Allele origin: germline.

Ambry Genetics
Classification: Likely benign for Cardiovascular phenotype. Last evaluated: 2022-05-17. Review status: criteria provided, single submitter. Criteria: Ambry Variant Classification Scheme 2023. Collection method: clinical testing. Allele origin: germline.

ARUP Laboratories, Molecular Genetics and Genomics, ARUP Laboratories
Classification: Likely benign. Last evaluated: 2018-06-04. Review status: criteria provided, single submitter. Criteria: ARUP Molecular Germline Variant Investigation Process. Collection method: clinical testing. Allele origin: germline.
Comment: The p.Glu2332Glu variant does not alter the amino acid sequence of the AKAP9 protein and computational splice site prediction algorithms do not predict a change in the nearest splice site or creation of a cryptic splice site. This variant has not been reported in association with long QT syndrome in medical literature or in gene specific variation databases. It is absent from general population databases such as 1000 Genomes, NHLBI GO Exome Sequencing Project (ESP), and the Genome Aggregation Database (gnomAD). Based on these observations, the p.Glu2332Glu variant is likely to be benign.

NM_005751.5(AKAP9):c.6996A>G (p.Glu2332=)

Gene: AKAP9 (A-kinase anchoring protein 9; plus strand). Cytogenetic location: 7q21.2.
Variant type: single nucleotide variant.
Coding change: c.6996A>G on transcript NM_005751.5 (MANE Select); coding-DNA position 6996, A replaced by G.
Protein change: p.Glu2332=; no amino-acid change (glutamic acid 2332 retained).
Molecular consequence: synonymous variant.
Genome position (GRCh38, 1-based): chr7:92,079,129, A>G. VCF-style: chr7-92079129-A-G. GRCh37 (hg19) VCF-style: chr7-91708443-A-G.
Other names: c.1641A>G, p.Glu547= (NM_001379277.1); c.6972A>G, p.Glu2324= (NM_147185.3).
Identifiers: ClinVar variation 527044 (VCV000527044.20), dbSNP rs1315064294, ClinGen allele CA456619671.